The following is an entry in ClinVar:

NM_001145809.2(MYH14):c.4151A>C (p.Glu1384Ala)

Gene: MYH14 (myosin heavy chain 14; plus strand). Cytogenetic location: 19q13.33.
Variant type: single nucleotide variant.
Coding change: c.4151A>C on transcript NM_001145809.2 (MANE Select); coding-DNA position 4151, A replaced by C.
Protein change: p.Glu1384Ala; replaces glutamic acid 1384 with alanine.
Molecular consequence: missense variant.
Genome position (GRCh38, 1-based): chr19:50,280,244, A>C. VCF-style: chr19-50280244-A-C. GRCh37 (hg19) VCF-style: chr19-50783501-A-C.
Other names: c.4052A>C, p.Glu1351Ala (NM_001077186.2); c.4028A>C, p.Glu1343Ala (NM_024729.4); short protein forms E1343A, E1351A, E1384A.
Identifiers: ClinVar variation 1503669 (VCV001503669.6), dbSNP rs1286640897, ClinGen allele CA406957414.

ClinVar aggregate classification (germline): Uncertain significance (1 of 4 stars; one submission).

Submission:

Labcorp Genetics (formerly Invitae), Labcorp
Classification: Uncertain significance. Last evaluated: 2021-10-07. Review status: criteria provided, single submitter. Criteria: Invitae Variant Classification Sherloc (09022015). Collection method: clinical testing. Allele origin: germline.
Comment: This variant has not been reported in the literature in individuals affected with MYH14-related conditions. In summary, the available evidence is currently insufficient to determine the role of this variant in disease. Therefore, it has been classified as a Variant of Uncertain Significance. Algorithms developed to predict the effect of missense changes on protein structure and function are either unavailable or do not agree on the potential impact of this missense change (SIFT: "Deleterious"; PolyPhen-2: "Possibly Damaging"; Align-GVGD: "Class C0"). This missense change has been observed in at least one individual who was not affected with MYH14-related conditions (Invitae). This variant is not present in population databases (ExAC no frequency). This sequence change replaces glutamic acid with alanine at codon 1343 of the MYH14 protein (p.Glu1343Ala). The glutamic acid residue is highly conserved and there is a moderate physicochemical difference between glutamic acid and alanine.